The following is an entry in ClinVar:

ClinVar aggregate classification (germline): Uncertain significance (1 of 4 stars; one submission).

Conditions:
Severe combined immunodeficiency due to DNA-PKcs deficiency. Also called: IMMUNODEFICIENCY 26 WITH NEUROLOGIC ABNORMALITIES; Immunodeficiency 26 with or without neurologic abnormalities. Identifiers: Orphanet 317425, MedGen C4014833, MONDO:0014423, OMIM 615966.

Submission:

Labcorp Genetics (formerly Invitae), Labcorp
Classification: Uncertain significance for Severe combined immunodeficiency due to DNA-PKcs deficiency. Last evaluated: 2025-04-30. Review status: criteria provided, single submitter. Criteria: Invitae Variant Classification Sherloc (09022015). Collection method: clinical testing. Allele origin: germline.
Comment: This sequence change replaces phenylalanine, which is neutral and non-polar, with cysteine, which is neutral and slightly polar, at codon 2371 of the PRKDC protein (p.Phe2371Cys). This variant is not present in population databases (gnomAD no frequency). This variant has not been reported in the literature in individuals affected with PRKDC-related conditions. Invitae Evidence Modeling of protein sequence and biophysical properties (such as structural, functional, and spatial information, amino acid conservation, physicochemical variation, residue mobility, and thermodynamic stability) has been performed for this missense variant. However, the output from this modeling did not meet the statistical confidence thresholds required to predict the impact of this variant on PRKDC protein function. In summary, the available evidence is currently insufficient to determine the role of this variant in disease. Therefore, it has been classified as a Variant of Uncertain Significance.

NM_006904.7(PRKDC):c.7112T>G (p.Phe2371Cys)

Gene: PRKDC (protein kinase, DNA-activated, catalytic subunit; minus strand). Cytogenetic location: 8q11.21.
Variant type: single nucleotide variant.
Coding change: c.7112T>G on transcript NM_006904.7 (MANE Select); coding-DNA position 7112, T replaced by G.
Protein change: p.Phe2371Cys; replaces phenylalanine 2371 with cysteine.
Molecular consequence: missense variant.
Genome position (GRCh38, 1-based): chr8:47,849,397, A>C on the plus strand (T>G on the coding strand, the complement: PRKDC is on the minus strand). VCF-style: chr8-47849397-A-C. GRCh37 (hg19) VCF-style: chr8-48761958-A-C.
Other names: c.7112T>G, p.Phe2371Cys (NM_001081640.2); short protein forms F2371C.
Identifiers: ClinVar variation 4741803 (VCV004741803.1).